The following is an entry in ClinVar:

ClinVar aggregate classification (germline): Uncertain significance. Review status: criteria provided, multiple submitters, no conflicts (2 of 4 stars). 3 submissions from 3 submitters: Uncertain significance (3). Last evaluated 2025-12-13.

Conditions:
Familial thoracic aortic aneurysm and aortic dissection (TAAD). Also called: Thoracic aortic aneurysms and dissections. Identifiers: Orphanet 91387, MedGen C4707243, MONDO:0019625.
Ehlers-Danlos syndrome, type 4 (EDSVASC). Also called: Ehlers-Danlos Syndrome Type IV; Ehlers-Danlos syndrome vascular type; Ehlers Danlos syndrome, ecchymotic type; Ehlers Danlos syndrome, arterial type; Ehlers Danlos syndrome, Sack-Barabas type. Identifiers: Orphanet 286, MedGen C0268338, MONDO:0017314, OMIM 130050.

Allele frequency attached by ClinVar (database versions not stated): gnomAD exomes below 0.00001; TOPMed 0.00001.

Submissions (3):

Labcorp Genetics (formerly Invitae), Labcorp
Classification: Uncertain significance for Ehlers-Danlos syndrome, type 4. Last evaluated: 2025-12-13. Review status: criteria provided, single submitter. Criteria: Invitae Variant Classification Sherloc (09022015). Collection method: clinical testing. Allele origin: germline.
Comment: This sequence change replaces isoleucine, which is neutral and non-polar, with valine, which is neutral and non-polar, at codon 221 of the COL3A1 protein (p.Ile221Val). This variant is not present in population databases (gnomAD no frequency). This variant has not been reported in the literature in individuals affected with COL3A1-related conditions. ClinVar contains an entry for this variant (Variation ID: 2775094). Invitae Evidence Modeling of protein sequence and biophysical properties (such as structural, functional, and spatial information, amino acid conservation, physicochemical variation, residue mobility, and thermodynamic stability) indicates that this missense variant is not expected to disrupt COL3A1 protein function with a negative predictive value of 95%. In summary, the available evidence is currently insufficient to determine the role of this variant in disease. Therefore, it has been classified as a Variant of Uncertain Significance.

GeneDx
Classification: Uncertain significance. Last evaluated: 2025-01-07. Review status: criteria provided, single submitter. Criteria: GeneDx Variant Classification Process June 2021. Collection method: clinical testing. Allele origin: germline.
Comment: Has not been previously published as pathogenic or benign to our knowledge; Not observed at significant frequency in large population cohorts (gnomAD); In silico analysis indicates that this missense variant does not alter protein structure/function; Occurs in the triple helical domain at the Y position in the canonical Gly-X-Y repeat; although this variant may have an effect on normal protein folding and function, missense substitution at the Y position is not a common mechanism of disease (HGMD)

Color Diagnostics, LLC DBA Color Health
Classification: Uncertain significance for Familial thoracic aortic aneurysm and aortic dissection. Last evaluated: 2021-09-20. Review status: criteria provided, single submitter. Criteria: ACMG Guidelines, 2015. Collection method: clinical testing. Allele origin: germline.
Comment: This missense variant replaces isoleucine with valine at codon 221 of the COL3A1 protein. Computational prediction suggests that this variant may not impact protein structure and function (internally defined REVEL score threshold <= 0.5, PMID: 27666373). To our knowledge, functional studies have not been reported for this variant. This variant has not been reported in individuals affected with cardiovascular disorders in the literature. This variant has not been identified in the general population by the Genome Aggregation Database (gnomAD). The available evidence is insufficient to determine the role of this variant in disease conclusively. Therefore, this variant is classified as a Variant of Uncertain Significance.

NM_000090.4(COL3A1):c.661A>G (p.Ile221Val)

Gene: COL3A1 (collagen type III alpha 1 chain; plus strand). Cytogenetic location: 2q32.2.
Variant type: single nucleotide variant.
Coding change: c.661A>G on transcript NM_000090.4 (MANE Select); coding-DNA position 661, A replaced by G.
Protein change: p.Ile221Val; replaces isoleucine 221 with valine.
Molecular consequence: missense variant.
Genome position (GRCh38, 1-based): chr2:188,989,420, A>G. VCF-style: chr2-188989420-A-G. GRCh37 (hg19) VCF-style: chr2-189854146-A-G.
Other names: short protein forms I221V.
Identifiers: ClinVar variation 2775094 (VCV002775094.7), dbSNP rs1688130903, ClinGen allele CA349848807.
Genomic context (GRCh38, chr2:188,989,420, plus strand): 5'-TACAAATCTATTCATTTTTTATTTCCTTATTTTCAGGGCCCTCCAGGACCTCCTGGTGCT[A>G]TAGGTCCATCTGGTCCTGCTGGAAAAGATGTAAGTTTTTAAAACTTAAATAAGAATACAG-3'
Protein context (NP_000081.2, residues 211-231): PSGPPGPPGA[Ile221Val]GPSGPAGKDG